The following is an entry in ClinVar:

ClinVar aggregate classification (germline): Conflicting classifications of pathogenicity. Review status: criteria provided, conflicting classifications (1 of 4 stars). 3 submissions from 3 submitters: Uncertain significance (2); Likely benign (1). Last evaluated 2026-09-21.

Conditions:
Cardiovascular phenotype. Identifiers: MedGen CN230736.

Allele frequency attached by ClinVar (database versions not stated): ExAC 0.00003; 1000 Genomes Project 0.00020; gnomAD 0.00001; 1000 Genomes Project 30x 0.00016.
gnomAD v4.1: 28 of 1,611,574 alleles (0.0017%); highest among the groups gnomAD compares: South Asian, 0.03%; no homozygotes.

Submissions (3):

Molecular Diagnostic Laboratory for Inherited Cardiovascular Disease, Montreal Heart Institute
Classification: Likely benign. Last evaluated: 2026-09-21. Review status: criteria provided, single submitter. Criteria: ACMG Guidelines, 2015. Collection method: clinical testing. Allele origin: germline. Affected: no.
Comment: BP1;BP4

Ambry Genetics
Classification: Uncertain significance for Cardiovascular phenotype. Last evaluated: 2024-08-28. Review status: criteria provided, single submitter. Criteria: Ambry Variant Classification Scheme 2023. Collection method: clinical testing. Allele origin: germline.
Comment: The p.S769R variant (also known as c.2307C>A), located in coding exon 6 of the ALPK3 gene, results from a C to A substitution at nucleotide position 2307. The serine at codon 769 is replaced by arginine, an amino acid with dissimilar properties. This amino acid position is conserved. In addition, this alteration is predicted to be tolerated by in silico analysis. Based on the available evidence, the clinical significance of this variant remains unclear.

Labcorp Genetics (formerly Invitae), Labcorp
Classification: Uncertain significance. Last evaluated: 2023-03-14. Review status: criteria provided, single submitter. Criteria: Invitae Variant Classification Sherloc (09022015). Collection method: clinical testing. Allele origin: germline.
Comment: In summary, the available evidence is currently insufficient to determine the role of this variant in disease. Therefore, it has been classified as a Variant of Uncertain Significance. An algorithm developed to predict the effect of missense changes on protein structure and function (PolyPhen-2) suggests that this variant is likely to be disruptive. This variant has not been reported in the literature in individuals affected with ALPK3-related conditions. This variant is present in population databases (rs569373436, gnomAD 0.03%). This sequence change replaces serine, which is neutral and polar, with arginine, which is basic and polar, at codon 769 of the ALPK3 protein (p.Ser769Arg).

NM_020778.5(ALPK3):c.1701C>A (p.Ser567Arg)

Gene: ALPK3 (alpha kinase 3; plus strand). Cytogenetic location: 15q25.3.
Variant type: single nucleotide variant.
Coding change: c.1701C>A on transcript NM_020778.5 (MANE Select); coding-DNA position 1701, C replaced by A.
Protein change: p.Ser567Arg; replaces serine 567 with arginine.
Molecular consequence: missense variant.
Genome position (GRCh38, 1-based): chr15:84,856,439, C>A. VCF-style: chr15-84856439-C-A. GRCh37 (hg19) VCF-style: chr15-85399670-C-A.
Other names: c.2307C>A (NM_020778.4); short protein forms S567R.
Identifiers: ClinVar variation 2992917 (VCV002992917.5), dbSNP rs569373436, ClinGen allele CA7709276.